The following is an entry in ClinVar:

ClinVar aggregate classification (germline): Likely pathogenic (1 of 4 stars; one submission).

Conditions:
Hereditary factor X deficiency disease. Also called: Congenital factor X deficiency; STUART-PROWER FACTOR DEFICIENCY. Identifiers: Orphanet 328, MedGen C0272327, MONDO:0009212, OMIM 227600.

Submission:

ISTH-SSC Genomics in Thrombosis and Hemostasis, KU Leuven, Center for Molecular and Vascular Biology
Classification: Likely pathogenic for Hereditary factor X deficiency disease. Review status: criteria provided, single submitter. Criteria: ACMG Guidelines, 2015. Collection method: clinical testing. Allele origin: unknown. Affected: yes.
Comment: Submitter to GoldVariant: Kathleen Freson, Center for Molecular and Vascular Biology, Leuven, Belgium

Literature cited by the submitters: PubMed 34355501.

NM_000504.4(F10):c.232-2563_503-451del

Genes: F10 (coagulation factor X; plus strand), F10-AS2 (F10 antisense RNA 2; minus strand). Cytogenetic location: 13q34.
Variant type: Deletion.
Coding change: c.232-2563_503-451del on transcript NM_000504.4 (MANE Select); 2563 bases into the intron before coding-DNA position 232 through 451 bases into the intron before coding-DNA position 503, 7,507 bases deleted.
Molecular consequence: splice acceptor variant, splice donor variant.
Genome position (GRCh38, 1-based): chr13:113,135,894-113,143,400, 7,507 bases deleted. GRCh37 (hg19): chr13:113,790,208-113,797,714.
Other names: c.232-2563_503-451del (NM_001312675.2); c.232-2563_371-451del (NM_001312674.2).
Identifiers: ClinVar variation 1703258 (VCV001703258.1), ClinGen allele CA2580087222.